The following is an entry in ClinVar:

NM_000245.4(MET):c.2888-8_2888-4del

Gene: MET (MET proto-oncogene, receptor tyrosine kinase; plus strand). Cytogenetic location: 7q31.2.
Variant type: Deletion.
Coding change: c.2888-8_2888-4del on transcript NM_000245.4 (MANE Select); 8 bases into the intron before coding-DNA position 2888 through 4 bases into the intron before coding-DNA position 2888, 5 bases deleted (GTTTT; older notation c.2888-8_2888-4delGTTTT).
Molecular consequence: intron variant.
Genome position (GRCh38, 1-based): chr7:116,771,841-116,771,845, GTTTT deleted; deleting any 5 consecutive bases within chr7:116,771,840-116,771,845 gives the same sequence; the c. name uses the placement nearest the transcript's 3' end. VCF-style (leftmost placement, unchanged base first): chr7-116771839-CTGTTT-C. GRCh37 (hg19) VCF-style: chr7-116411893-CTGTTT-C.
Other names: c.2942-8_2942-4del (NM_001127500.3); c.1598-8_1598-4del (NM_001324402.2).
Identifiers: ClinVar variation 3872363 (VCV003872363.1).

ClinVar aggregate classification (germline): Uncertain significance (1 of 4 stars; one submission).

Conditions:
Hereditary cancer-predisposing syndrome. Also called: Tumor predisposition; Neoplastic Syndromes, Hereditary; Hereditary Cancer Syndrome; Hereditary neoplastic syndrome. Identifiers: Orphanet 140162, MedGen C0027672, MeSH D009386, MONDO:0015356.

Submission:

Ambry Genetics
Classification: Uncertain significance for Hereditary cancer-predisposing syndrome. Last evaluated: 2025-01-21. Review status: criteria provided, single submitter. Criteria: Ambry Variant Classification Scheme 2023. Collection method: clinical testing. Allele origin: germline.
Comment: The c.2942-8_2942-4delGTTTT intronic variant, located in intron 12 of the MET gene, results from a deletion of 5 nucleotides within intron 12 of the MET gene. This nucleotide region is well conserved in available vertebrate species. In silico splice site analysis for this alteration is inconclusive. Based on the available evidence, the clinical significance of this variant remains unclear.